The following is an entry in ClinVar:

ClinVar aggregate classification (germline): Uncertain significance. Review status: criteria provided, multiple submitters, no conflicts (2 of 4 stars). 2 submissions from 2 submitters: Uncertain significance (2). Last evaluated 2024-11-01.

Conditions:
Primary familial hypertrophic cardiomyopathy (HCM). Identifiers: Orphanet 99739, MedGen C0949658, MeSH D024741, MONDO:0024573. Inheritance: Various modes of inheritance.

Submissions (2):

Ambry Genetics
Classification: Uncertain significance. Last evaluated: 2024-11-01. Review status: criteria provided, single submitter. Criteria: Ambry Variant Classification Scheme 2023. Collection method: clinical testing. Allele origin: germline.
Comment: The p.T332I variant (also known as c.995C>T), located in coding exon 10 of the ILK gene, results from a C to T substitution at nucleotide position 995. The threonine at codon 332 is replaced by isoleucine, an amino acid with similar properties. This amino acid position is conserved. In addition, this alteration is predicted to be deleterious by in silico analysis. Based on the available evidence, the clinical significance of this variant remains unclear.

Labcorp Genetics (formerly Invitae), Labcorp
Classification: Uncertain significance for Primary familial hypertrophic cardiomyopathy. Last evaluated: 2023-02-27. Review status: criteria provided, single submitter. Criteria: Invitae Variant Classification Sherloc (09022015). Collection method: clinical testing. Allele origin: germline.
Comment: This variant has not been reported in the literature in individuals affected with ILK-related conditions. This variant is not present in population databases (gnomAD no frequency). This sequence change replaces threonine, which is neutral and polar, with isoleucine, which is neutral and non-polar, at codon 332 of the ILK protein (p.Thr332Ile). An algorithm developed to predict the effect of missense changes on protein structure and function (PolyPhen-2) suggests that this variant is likely to be disruptive. In summary, the available evidence is currently insufficient to determine the role of this variant in disease. Therefore, it has been classified as a Variant of Uncertain Significance.

NM_004517.4(ILK):c.995C>T (p.Thr332Ile)

Genes: ILK (integrin linked kinase; plus strand), TAF10 (TATA-box binding protein associated factor 10; minus strand). Cytogenetic location: 11p15.4.
Variant type: single nucleotide variant.
Coding change: c.995C>T on transcript NM_004517.4 (MANE Select); coding-DNA position 995, C replaced by T.
Protein change: p.Thr332Ile; replaces threonine 332 with isoleucine.
Molecular consequence: missense variant. On other transcripts: 3 prime UTR variant (1).
Genome position (GRCh38, 1-based): chr11:6,609,952, C>T. VCF-style: chr11-6609952-C-T. GRCh37 (hg19) VCF-style: chr11-6631183-C-T.
Other names: c.995C>T, p.Thr332Ile (NM_001014794.3, NM_001014795.3); c.812C>T, p.Thr271Ile (NM_001278441.2); c.593C>T, p.Thr198Ile (NM_001278442.2); c.*970G>A (NM_006284.4); short protein forms T198I, T271I, T332I.
Identifiers: ClinVar variation 2877417 (VCV002877417.4), dbSNP rs2493777425, ClinGen allele CA379466088.
Genomic context (GRCh38, chr11:6,609,952, plus strand): 5'-CCTATCTATGACTTACCTCCTTCTATCTGTTTTCTCTTCCTCAGATTGATGAGGACATGA[C>T]TGCCCGAATTAGCATGGCTGATGTCAAGTTCTCTTTCCAATGTCCTGGTCGCATGTATGC-3'
Protein context (NP_004508.1, residues 322-342): SRSVMIDEDM[Thr332Ile]ARISMADVKF